The following is an entry in ClinVar:

NM_198506.5(LRIT3):c.1307T>C (p.Met436Thr)

Gene: LRIT3 (leucine rich repeat, Ig-like and transmembrane domains 3; plus strand). Cytogenetic location: 4q25.
Variant type: single nucleotide variant.
Coding change: c.1307T>C on transcript NM_198506.5 (MANE Select); coding-DNA position 1307, T replaced by C.
Protein change: p.Met436Thr; replaces methionine 436 with threonine.
Molecular consequence: missense variant.
Genome position (GRCh38, 1-based): chr4:109,870,056, T>C. VCF-style: chr4-109870056-T-C. GRCh37 (hg19) VCF-style: chr4-110791212-T-C.
Other names: c.1172T>C (NM_198506.2); short protein forms M436T.
Identifiers: ClinVar variation 347190 (VCV000347190.11), dbSNP rs371356043, ClinGen allele CA3043167.

ClinVar aggregate classification (germline): Uncertain significance. Review status: criteria provided, multiple submitters, no conflicts (2 of 4 stars). 3 submissions from 3 submitters: Uncertain significance (3). Last evaluated 2025-08-09.

Conditions:
Congenital stationary night blindness 1F. Also called: Night blindness, congenital stationary (complete), 1F, autosomal recessive. Identifiers: Orphanet 215, MedGen C3554399, MONDO:0014026, OMIM 615058.
Inborn genetic diseases. Identifiers: MedGen C0950123, MeSH D030342.

Allele frequency attached by ClinVar (database versions not stated): gnomAD exomes 0.00009 and 0.00018; ExAC 0.00010; TOPMed 0.00011; gnomAD 0.00015 and 0.00016; ESP Exome Variant Server 0.00023.
gnomAD v4.1: 282 of 1,614,042 alleles (0.017%); highest among the groups gnomAD compares: Non-Finnish European, 0.022%; no homozygotes.

Submissions (3):

Ambry Genetics
Classification: Uncertain significance for Inborn genetic diseases. Last evaluated: 2025-08-09. Review status: criteria provided, single submitter. Criteria: Ambry Variant Classification Scheme 2023. Collection method: clinical testing. Allele origin: germline.

Labcorp Genetics (formerly Invitae), Labcorp
Classification: Uncertain significance. Last evaluated: 2022-06-27. Review status: criteria provided, single submitter. Criteria: Invitae Variant Classification Sherloc (09022015). Collection method: clinical testing. Allele origin: germline.
Comment: This sequence change replaces methionine, which is neutral and non-polar, with threonine, which is neutral and polar, at codon 436 of the LRIT3 protein (p.Met436Thr). This variant is present in population databases (rs371356043, gnomAD 0.02%). This variant has not been reported in the literature in individuals affected with LRIT3-related conditions. ClinVar contains an entry for this variant (Variation ID: 347190). Algorithms developed to predict the effect of missense changes on protein structure and function output the following: SIFT: "Tolerated"; PolyPhen-2: "Benign"; Align-GVGD: "Class C0". The threonine amino acid residue is found in multiple mammalian species, which suggests that this missense change does not adversely affect protein function. In summary, the available evidence is currently insufficient to determine the role of this variant in disease. Therefore, it has been classified as a Variant of Uncertain Significance.

Illumina Laboratory Services, Illumina
Classification: Uncertain significance for Congenital stationary night blindness 1F. Last evaluated: 2018-01-12. Review status: criteria provided, single submitter. Criteria: ICSL Variant Classification Criteria 13 December 2019. Collection method: clinical testing. Allele origin: germline.